The following is an entry in ClinVar:

ClinVar aggregate classification (germline): Likely benign (1 of 4 stars; one submission).

Conditions:
Hypertrophic cardiomyopathy. Also called: HYPERTROPHIC MYOCARDIOPATHY. Identifiers: Orphanet 217569, MedGen C0007194, MeSH D002312, MONDO:0005045, HP:0001639.

Allele frequency attached by ClinVar (database versions not stated): gnomAD exomes below 0.00001.
gnomAD v4.1: 5 of 1,614,216 alleles (0.00031%); highest among the groups gnomAD compares: South Asian, 0.0033%; no homozygotes.

Submission:

All of Us Research Program, National Institutes of Health
Classification: Likely benign for Hypertrophic cardiomyopathy. Last evaluated: 2023-06-08. Review status: criteria provided, single submitter. Criteria: ACMG Guidelines, 2015. Collection method: clinical testing. Allele origin: germline. Inheritance: Autosomal dominant inheritance. Observed: 1 variant allele, 1 heterozygote.
Comment: This study involves interpretation of variants in research participants for the purpose of population health screening. Participant phenotype was not available at the time of variant classification. Additional details can be found in publication PMID: 35346344, PMCID: PMC8962531

NM_005159.5(ACTC1):c.714G>A (p.Leu238=)

Genes: ACTC1 (actin alpha cardiac muscle 1; minus strand), GJD2-DT (GJD2 divergent transcript; plus strand). Cytogenetic location: 15q14.
Variant type: single nucleotide variant.
Coding change: c.714G>A on transcript NM_005159.5 (MANE Select); coding-DNA position 714, G replaced by A.
Protein change: p.Leu238=; no amino-acid change (leucine 238 retained).
Molecular consequence: synonymous variant.
Genome position (GRCh38, 1-based): chr15:34,792,184, C>T on the plus strand (G>A on the coding strand, the complement: ACTC1 is on the minus strand). VCF-style: chr15-34792184-C-T. GRCh37 (hg19) VCF-style: chr15-35084385-C-T.
Other names: c.714G>A, p.Leu238= (NM_001406482.1, NM_001406483.1); c.579G>A, p.Leu193= (NM_001406484.1); c.273G>A, p.Leu91= (NM_001406485.1).
Identifiers: ClinVar variation 3075653 (VCV003075653.1), dbSNP rs1469289278, ClinGen allele CA489419854.